The following is an entry in ClinVar:

ClinVar aggregate classification (germline): Pathogenic (1 of 4 stars; one submission).

Submission:

Labcorp Genetics (formerly Invitae), Labcorp
Classification: Pathogenic. Last evaluated: 2023-12-27. Review status: criteria provided, single submitter. Criteria: Invitae Variant Classification Sherloc (09022015). Collection method: clinical testing. Allele origin: germline.
Comment: This sequence change creates a premature translational stop signal (p.Pro20Leufs*22) in the PLOD3 gene. It is expected to result in an absent or disrupted protein product. Loss-of-function variants in PLOD3 are known to be pathogenic (PMID: 30237576). This variant is not present in population databases (gnomAD no frequency). This variant has not been reported in the literature in individuals affected with PLOD3-related conditions. For these reasons, this variant has been classified as Pathogenic.

Literature cited by the submitters: PubMed 30237576.

NM_001084.5(PLOD3):c.59del (p.Pro20fs)

Gene: PLOD3 (procollagen-lysine,2-oxoglutarate 5-dioxygenase 3; minus strand). Cytogenetic location: 7q22.1.
Variant type: Deletion.
Coding change: c.59del on transcript NM_001084.5 (MANE Select); coding-DNA position 59, one base deleted (C; older notation c.59delC).
Protein change: p.Pro20fs; shifts the reading frame from proline 20.
Molecular consequence: frameshift variant.
Genome position (GRCh38, 1-based): chr7:101,217,216, G deleted on the plus strand (C on the coding strand, the reverse complement: PLOD3 is on the minus strand); the first of 5 consecutive G bases (chr7:101,217,216-101,217,220); deleting any one gives the same sequence. VCF-style (leftmost placement, unchanged base first): chr7-101217215-AG-A. GRCh37 (hg19) VCF-style: chr7-100860496-AG-A.
Other names: short protein forms P20fs.
Identifiers: ClinVar variation 2705859 (VCV002705859.3), dbSNP rs1269424201, ClinGen allele CA645563160.
Genomic context (GRCh38, chr7:101,217,215, plus strand): 5'-CGGGATCTCACCTGGGTTGACCGGGTCTCGGCCCCGGGGCCGGTCGGAGGCTGAGGCCGC[AG>A]GGGGCAGCAGCAGCGGCAGCAGCAGCAGGAACCGGGGTCCAGGCCCCGAGGAGGTCATGG-3'